The following is an entry in ClinVar:

NM_000203.5(IDUA):c.1842C>G (p.Val614=)

Gene: IDUA (alpha-L-iduronidase; plus strand). Cytogenetic location: 4p16.3.
Variant type: single nucleotide variant.
Coding change: c.1842C>G on transcript NM_000203.5 (MANE Select); coding-DNA position 1842, C replaced by G.
Protein change: p.Val614=; no amino-acid change (valine 614 retained).
Molecular consequence: synonymous variant. On other transcripts: non-coding transcript variant (1).
Genome position (GRCh38, 1-based): chr4:1,004,273, C>G. VCF-style: chr4-1004273-C-G. GRCh37 (hg19) VCF-style: chr4-998061-C-G.
Other names: c.1446C>G, p.Val482= (NM_001363576.1).
Identifiers: ClinVar variation 4874039 (VCV004874039.2).

ClinVar aggregate classification (germline): Likely benign (1 of 4 stars; one submission).

Submission:

CeGaT Center for Human Genetics Tuebingen
Classification: Likely benign. Last evaluated: 2026-05-01. Review status: criteria provided, single submitter. Criteria: CeGaT Center For Human Genetics Tuebingen Variant Classification Criteria Version 2. Collection method: clinical testing. Allele origin: germline. Affected: yes. Observed: 1 variant allele.
Comment: IDUA: PM2:Supporting, BP4, BP7